The following is an entry in ClinVar:

NM_000888.5(ITGB6):c.1405C>A (p.His469Asn)

Gene: ITGB6 (integrin subunit beta 6; minus strand). Cytogenetic location: 2q24.2.
Variant type: single nucleotide variant.
Coding change: c.1405C>A on transcript NM_000888.5 (MANE Select); coding-DNA position 1405, C replaced by A.
Protein change: p.His469Asn; replaces histidine 469 with asparagine.
Molecular consequence: missense variant.
Genome position (GRCh38, 1-based): chr2:160,137,689, G>T on the plus strand (C>A on the coding strand, the complement: ITGB6 is on the minus strand). VCF-style: chr2-160137689-G-T. GRCh37 (hg19) VCF-style: chr2-160994200-G-T.
Other names: c.1405C>A, p.His469Asn (NM_001282353.2, NM_001282355.2); c.1120C>A, p.His374Asn (NM_001282354.2); c.1279C>A, p.His427Asn (NM_001282388.2); c.1186C>A, p.His396Asn (NM_001282389.2); c.991C>A, p.His331Asn (NM_001282390.2); short protein forms H427N, H331N, H469N, H374N, H396N.
Identifiers: ClinVar variation 715794 (VCV000715794.7), dbSNP rs142197545, ClinGen allele CA1929218.

ClinVar aggregate classification (germline): Conflicting classifications of pathogenicity. Review status: criteria provided, conflicting classifications (1 of 4 stars). 4 submissions from 4 submitters: Uncertain significance (1); Likely benign (3). Last evaluated 2025-11-25.

Conditions:
ITGB6-related disorder. Also called: ITGB6-related condition.

Allele frequency attached by ClinVar (database versions not stated): 1000 Genomes Project 30x 0.00047; 1000 Genomes Project 0.00060; TOPMed 0.00169; ExAC 0.00182; gnomAD exomes 0.00182 and 0.00266; ESP Exome Variant Server 0.00200; gnomAD 0.00217 and 0.00228.
gnomAD v4.1: 4,185 of 1,614,166 alleles (0.26%); highest among the groups gnomAD compares: Non-Finnish European, 0.31%; 4 homozygotes.

Submissions (4):

PreventionGenetics, part of Exact Sciences
Classification: Likely benign for ITGB6-related condition. Last evaluated: 2025-11-25. Review status: criteria provided, single submitter. Criteria: ACMG Guidelines, 2015. Collection method: clinical testing. Allele origin: germline.
Comment: This variant is classified as likely benign based on ACMG/AMP sequence variant interpretation guidelines (Richards et al. 2015 PMID: 25741868, with internal and published modifications).

Blueprint Genetics
Classification: Likely benign. Last evaluated: 2024-11-07. Review status: criteria provided, single submitter. Criteria: ACMG Guidelines, 2015. Collection method: clinical testing. Allele origin: germline.

GeneDx
Classification: Uncertain significance. Last evaluated: 2024-07-09. Review status: criteria provided, single submitter. Criteria: GeneDx Variant Classification Process June 2021. Collection method: clinical testing. Allele origin: germline. Affected: yes.
Comment: In silico analysis indicates that this missense variant does not alter protein structure/function; Observed in the heterozygous state in several members from a family with pterygium and pinguecula in the published literature, although the CRIM1 gene was reported as the most plausible candidate gene for this family (PMID: 30365943); This variant is associated with the following publications: (PMID: 30365943)

Labcorp Genetics (formerly Invitae), Labcorp
Classification: Likely benign. Last evaluated: 2019-12-31. Review status: criteria provided, single submitter. Criteria: Invitae Variant Classification Sherloc (09022015). Collection method: clinical testing. Allele origin: germline.